The following is an entry in ClinVar:

ClinVar aggregate classification (germline): Uncertain significance. Review status: criteria provided, multiple submitters, no conflicts (2 of 4 stars). 2 submissions from 2 submitters: Uncertain significance (2). Last evaluated 2023-10-13.

Conditions:
KBG syndrome (KBGS). Also called: ANKRD11-Related KBG Syndrome. Identifiers: Orphanet 2332, MedGen C0220687, MONDO:0007846, OMIM 148050.

gnomAD v4.1: 2 of 1,613,976 alleles (0.00012%); highest among the groups gnomAD compares: Non-Finnish European, 0.00017%; no homozygotes.

Submissions (2):

GeneDx
Classification: Uncertain significance. Last evaluated: 2023-10-13. Review status: criteria provided, single submitter. Criteria: GeneDx Variant Classification Process June 2021. Collection method: clinical testing. Allele origin: germline. Affected: yes.
Comment: Not observed at significant frequency in large population cohorts (gnomAD); In silico analysis supports that this missense variant does not alter protein structure/function; Has not been previously published as pathogenic or benign to our knowledge

Victorian Clinical Genetics Services, Murdoch Childrens Research Institute
Classification: Uncertain significance for KBG syndrome. Last evaluated: 2019-08-28. Review status: criteria provided, single submitter. Criteria: ACMG Guidelines, 2015. Collection method: clinical testing. Allele origin: germline. Inheritance: Autosomal dominant inheritance. Affected: yes.
Comment: A heterozygous missense variant was identified, NM_013275.5(ANKRD11):c.4001C>G in exon 9 of 13 of the ANKRD11 gene. This substitution is predicted to create a major amino acid change from proline to arginine at position 1334 of the protein, NP_037407.4(ANKRD11):p.(Pro1334Arg). The proline at this position has low conservation (100 vertebrates, UCSC), and is not situated in a known functional domain (PDB, NCBI). In silico software predicts this variant to be benign (PolyPhen, SIFT, CADD, MutationTaster). The variant is present in the gnomAD population database at a frequency of 0.0004% (1 heterozygote; 0 homozygotes). An alternative change to leucine at the same residue has also been reported in the gnomAD database at a frequency of 0.002%, and has previously been reported as likely benign (LOVD). The variant has not previously been reported in clinical cases. Based on information available at the time of curation, this variant has been classified as a VARIANT of UNCERTAIN SIGNIFICANCE (VUS) with LOW CLINICAL RELEVANCE.

NM_013275.6(ANKRD11):c.4001C>G (p.Pro1334Arg)

Gene: ANKRD11 (ankyrin repeat domain 11; minus strand). Cytogenetic location: 16q24.3.
Variant type: single nucleotide variant.
Coding change: c.4001C>G on transcript NM_013275.6 (MANE Select); coding-DNA position 4001, C replaced by G.
Protein change: p.Pro1334Arg; replaces proline 1334 with arginine.
Molecular consequence: missense variant.
Genome position (GRCh38, 1-based): chr16:89,282,541, G>C on the plus strand (C>G on the coding strand, the complement: ANKRD11 is on the minus strand). VCF-style: chr16-89282541-G-C. GRCh37 (hg19) VCF-style: chr16-89348949-G-C.
Other names: c.4001C>G, p.Pro1334Arg (NM_001256182.2, NM_001256183.2); short protein forms P1334R.
Identifiers: ClinVar variation 1806228 (VCV001806228.2), dbSNP rs765151001, ClinGen allele CA397158537.